The following is an entry in ClinVar:

NM_148897.3(SDR9C7):c.834C>A (p.Asn278Lys)

Gene: SDR9C7 (short chain dehydrogenase/reductase family 9C member 7; minus strand). Cytogenetic location: 12q13.3.
Variant type: single nucleotide variant.
Coding change: c.834C>A on transcript NM_148897.3 (MANE Select); coding-DNA position 834, C replaced by A.
Protein change: p.Asn278Lys; replaces asparagine 278 with lysine.
Molecular consequence: missense variant.
Genome position (GRCh38, 1-based): chr12:56,923,941, G>T on the plus strand (C>A on the coding strand, the complement: SDR9C7 is on the minus strand). VCF-style: chr12-56923941-G-T. GRCh37 (hg19) VCF-style: chr12-57317725-G-T.
Other names: short protein forms N278K.
Identifiers: ClinVar variation 1343045 (VCV001343045.6), dbSNP rs201598330, ClinGen allele CA6638038.

ClinVar aggregate classification (germline): Conflicting classifications of pathogenicity. Review status: criteria provided, conflicting classifications (1 of 4 stars). 4 submissions from 4 submitters: Uncertain significance (3); Likely benign (1). Last evaluated 2026-01-11.

Conditions:
Inborn genetic diseases. Identifiers: MedGen C0950123, MeSH D030342.

Allele frequency attached by ClinVar (database versions not stated): gnomAD exomes 0.00011; TOPMed 0.00012; gnomAD 0.00013 and 0.00014.
gnomAD v4.1: 185 of 1,613,966 alleles (0.011%); highest among the groups gnomAD compares: Middle Eastern, 0.049%; no homozygotes.

Submissions (4):

Labcorp Genetics (formerly Invitae), Labcorp
Classification: Likely benign. Last evaluated: 2026-01-11. Review status: criteria provided, single submitter. Criteria: Invitae Variant Classification Sherloc (09022015). Collection method: clinical testing. Allele origin: germline.

Ambry Genetics
Classification: Uncertain significance for Inborn genetic diseases. Last evaluated: 2022-12-16. Review status: criteria provided, single submitter. Criteria: Ambry Variant Classification Scheme 2023. Collection method: clinical testing. Allele origin: germline.

GeneDx
Classification: Uncertain significance. Last evaluated: 2022-02-21. Review status: criteria provided, single submitter. Criteria: GeneDx Variant Classification Process June 2021. Collection method: clinical testing. Allele origin: germline. Affected: yes.
Comment: Has not been previously published as pathogenic or benign to our knowledge; In silico analysis supports that this missense variant does not alter protein structure/function

Breakthrough Genomics
Classification: Uncertain significance. Review status: criteria provided, single submitter. Criteria: ACMG Guidelines, 2015. Collection method: not provided. Allele origin: germline. Inheritance: Autosomal recessive inheritance. Affected: yes.